The following is an entry in ClinVar:

ClinVar aggregate classification (germline): Uncertain significance (1 of 4 stars; one submission).

Submission:

Labcorp Genetics (formerly Invitae), Labcorp
Classification: Uncertain significance. Last evaluated: 2024-07-17. Review status: criteria provided, single submitter. Criteria: Invitae Variant Classification Sherloc (09022015). Collection method: clinical testing. Allele origin: germline.
Comment: This sequence change replaces leucine, which is neutral and non-polar, with glutamine, which is neutral and polar, at codon 18 of the POGLUT1 protein (p.Leu18Gln). This variant is not present in population databases (gnomAD no frequency). This variant has not been reported in the literature in individuals affected with POGLUT1-related conditions. An algorithm developed to predict the effect of missense changes on protein structure and function (PolyPhen-2) suggests that this variant is likely to be tolerated. In summary, the available evidence is currently insufficient to determine the role of this variant in disease. Therefore, it has been classified as a Variant of Uncertain Significance.

NM_152305.3(POGLUT1):c.53T>A (p.Leu18Gln)

Gene: POGLUT1 (protein O-glucosyltransferase 1; plus strand). Cytogenetic location: 3q13.33.
Variant type: single nucleotide variant.
Coding change: c.53T>A on transcript NM_152305.3 (MANE Select); coding-DNA position 53, T replaced by A.
Protein change: p.Leu18Gln; replaces leucine 18 with glutamine.
Molecular consequence: missense variant. On other transcripts: non-coding transcript variant (1).
Genome position (GRCh38, 1-based): chr3:119,469,074, T>A. VCF-style: chr3-119469074-T-A. GRCh37 (hg19) VCF-style: chr3-119187921-T-A.
Other names: short protein forms L18Q.
Identifiers: ClinVar variation 3659764 (VCV003659764.2).